The following is an entry in ClinVar:

NM_006904.7(PRKDC):c.2873T>C (p.Met958Thr)

Gene: PRKDC (protein kinase, DNA-activated, catalytic subunit; minus strand). Cytogenetic location: 8q11.21.
Variant type: single nucleotide variant.
Coding change: c.2873T>C on transcript NM_006904.7 (MANE Select); coding-DNA position 2873, T replaced by C.
Protein change: p.Met958Thr; replaces methionine 958 with threonine.
Molecular consequence: missense variant.
Genome position (GRCh38, 1-based): chr8:47,912,471, A>G on the plus strand (T>C on the coding strand, the complement: PRKDC is on the minus strand). VCF-style: chr8-47912471-A-G. GRCh37 (hg19) VCF-style: chr8-48825031-A-G.
Other names: c.2873T>C, p.Met958Thr (NM_001081640.2); short protein forms M958T.
Identifiers: ClinVar variation 1797074 (VCV001797074.4), dbSNP rs1270327485, ClinGen allele CA371158785.

ClinVar aggregate classification (germline): Uncertain significance. Review status: criteria provided, multiple submitters, no conflicts (2 of 4 stars). 2 submissions from 2 submitters: Uncertain significance (2). Last evaluated 2024-04-04.

Conditions:
Severe combined immunodeficiency due to DNA-PKcs deficiency. Also called: IMMUNODEFICIENCY 26 WITH NEUROLOGIC ABNORMALITIES; Immunodeficiency 26 with or without neurologic abnormalities. Identifiers: Orphanet 317425, MedGen C4014833, MONDO:0014423, OMIM 615966.

Allele frequency attached by ClinVar (database versions not stated): gnomAD exomes below 0.00001; TOPMed below 0.00001; gnomAD 0.00001.
gnomAD v4.1: 4 of 1,612,716 alleles (0.00025%); highest among the groups gnomAD compares: African/African-American, 0.0013%; no homozygotes.

Submissions (2):

Labcorp Genetics (formerly Invitae), Labcorp
Classification: Uncertain significance for Severe combined immunodeficiency due to DNA-PKcs deficiency. Last evaluated: 2024-04-04. Review status: criteria provided, single submitter. Criteria: Invitae Variant Classification Sherloc (09022015). Collection method: clinical testing. Allele origin: germline.
Comment: This sequence change replaces methionine, which is neutral and non-polar, with threonine, which is neutral and polar, at codon 958 of the PRKDC protein (p.Met958Thr). This variant is present in population databases (no rsID available, gnomAD 0.007%). This variant has not been reported in the literature in individuals affected with PRKDC-related conditions. ClinVar contains an entry for this variant (Variation ID: 1797074). Advanced modeling of protein sequence and biophysical properties (such as structural, functional, and spatial information, amino acid conservation, physicochemical variation, residue mobility, and thermodynamic stability) has been performed at Invitae for this missense variant, however the output from this modeling did not meet the statistical confidence thresholds required to predict the impact of this variant on PRKDC protein function. In summary, the available evidence is currently insufficient to determine the role of this variant in disease. Therefore, it has been classified as a Variant of Uncertain Significance.

Ambry Genetics
Classification: Uncertain significance. Last evaluated: 2021-06-23. Review status: criteria provided, single submitter. Criteria: Ambry Variant Classification Scheme 2023. Collection method: clinical testing. Allele origin: germline.
Comment: The p.M958T variant (also known as c.2873T>C), located in coding exon 25 of the PRKDC gene, results from a T to C substitution at nucleotide position 2873. The methionine at codon 958 is replaced by threonine, an amino acid with similar properties. This amino acid position is conserved. In addition, this alteration is predicted to be tolerated by in silico analysis. Since supporting evidence is limited at this time, the clinical significance of this alteration remains unclear.